The following is an entry in ClinVar:

NM_133459.4(CCBE1):c.131+5G>A

Gene: CCBE1 (collagen and calcium binding EGF domains 1; minus strand). Cytogenetic location: 18q21.32.
Variant type: single nucleotide variant.
Coding change: c.131+5G>A on transcript NM_133459.4 (MANE Select); 5 bases into the intron after coding-DNA position 131, G replaced by A.
Molecular consequence: intron variant.
Genome position (GRCh38, 1-based): chr18:59,697,207, C>T on the plus strand (G>A on the coding strand, the complement: CCBE1 is on the minus strand). VCF-style: chr18-59697207-C-T. GRCh37 (hg19) VCF-style: chr18-57364439-C-T.
Identifiers: ClinVar variation 3052598 (VCV003052598.2), dbSNP rs1298371635, ClinGen allele CA780977174.

ClinVar aggregate classification (germline): Likely benign (0 of 4 stars; one submission).

Conditions:
CCBE1-related disorder. Also called: CCBE1-related condition.

Allele frequency attached by ClinVar (database versions not stated): gnomAD exomes below 0.00001; TOPMed below 0.00001.

Submission:

PreventionGenetics, part of Exact Sciences
Classification: Likely benign for CCBE1-related condition. Last evaluated: 2022-04-26. Review status: no assertion criteria provided. Collection method: clinical testing. Allele origin: germline.
Comment: This variant is classified as likely benign based on ACMG/AMP sequence variant interpretation guidelines (Richards et al. 2015 PMID: 25741868, with internal and published modifications).